The following is an entry in ClinVar:

ClinVar aggregate classification (germline): Uncertain significance (1 of 4 stars; one submission).

Conditions:
Hypertrophic cardiomyopathy. Also called: HYPERTROPHIC MYOCARDIOPATHY. Identifiers: Orphanet 217569, MedGen C0007194, MeSH D002312, MONDO:0005045, HP:0001639.

Submission:

Labcorp Genetics (formerly Invitae), Labcorp
Classification: Uncertain significance for Hypertrophic cardiomyopathy. Last evaluated: 2019-05-31. Review status: criteria provided, single submitter. Criteria: Invitae Variant Classification Sherloc (09022015). Collection method: clinical testing. Allele origin: germline.
Comment: In summary, the available evidence is currently insufficient to determine the role of this variant in disease. Therefore, it has been classified as a Variant of Uncertain Significance. Algorithms developed to predict the effect of missense changes on protein structure and function (SIFT, PolyPhen-2, Align-GVGD) all suggest that this variant is likely to be disruptive, but these predictions have not been confirmed by published functional studies and their clinical significance is uncertain. This variant has not been reported in the literature in individuals with MYBPC3-related conditions. This variant is not present in population databases (ExAC no frequency). This sequence change replaces glutamic acid with aspartic acid at codon 728 of the MYBPC3 protein (p.Glu728Asp). The glutamic acid residue is highly conserved and there is a small physicochemical difference between glutamic acid and aspartic acid.

NM_000256.3(MYBPC3):c.2184G>C (p.Glu728Asp)

Gene: MYBPC3 (myosin binding protein C3; minus strand). Cytogenetic location: 11p11.2.
Variant type: single nucleotide variant.
Coding change: c.2184G>C on transcript NM_000256.3 (MANE Select); coding-DNA position 2184, G replaced by C.
Protein change: p.Glu728Asp; replaces glutamic acid 728 with aspartic acid.
Molecular consequence: missense variant.
Genome position (GRCh38, 1-based): chr11:47,338,644, C>G on the plus strand (G>C on the coding strand, the complement: MYBPC3 is on the minus strand). VCF-style: chr11-47338644-C-G. GRCh37 (hg19) VCF-style: chr11-47360195-C-G.
Other names: short protein forms E728D.
Identifiers: ClinVar variation 860960 (VCV000860960.9), dbSNP rs2095885090, ClinGen allele CA380320538.